The following is an entry in ClinVar:

NM_004170.6(SLC1A1):c.*188G>A

Gene: SLC1A1 (solute carrier family 1 member 1; plus strand). Cytogenetic location: 9p24.2.
Variant type: single nucleotide variant.
Coding change: c.*188G>A on transcript NM_004170.6 (MANE Select); 188 bases downstream of the stop codon, G replaced by A.
Molecular consequence: 3 prime UTR variant.
Genome position (GRCh38, 1-based): chr9:4,585,746, G>A. VCF-style: chr9-4585746-G-A. GRCh37 (hg19) VCF-style: chr9-4585746-G-A.
Identifiers: ClinVar variation 913548 (VCV000913548.4), dbSNP rs151096005, ClinGen allele CA188359074.

ClinVar aggregate classification (germline): Likely benign (1 of 4 stars; one submission).

Conditions:
Dicarboxylic aminoaciduria (DCBXA). Also called: GLUTAMATE-ASPARTATE TRANSPORT DEFECT. Identifiers: Orphanet 2195, MedGen C1857253, MONDO:0009110, OMIM 222730.

Allele frequency attached by ClinVar (database versions not stated): gnomAD exomes 0.00002; gnomAD 0.00016; TOPMed 0.00017; 1000 Genomes Project 30x 0.00047; 1000 Genomes Project 0.00060.
gnomAD v4.1: 37 of 684,610 alleles (0.0054%); highest among the groups gnomAD compares: African/African-American, 0.063%; no homozygotes.

Submission:

Illumina Laboratory Services, Illumina
Classification: Likely benign for Dicarboxylic aminoaciduria. Last evaluated: 2018-01-13. Review status: criteria provided, single submitter. Criteria: ICSL Variant Classification Criteria 13 December 2019. Collection method: clinical testing. Allele origin: germline.
Comment: This variant was observed in the ICSL laboratory as part of a predisposition screen in an ostensibly healthy population. It had not been previously curated by ICSL or reported in the Human Gene Mutation Database (HGMD: prior to June 1st, 2018), and was therefore a candidate for classification through an automated scoring system. Utilizing variant allele frequency, disease prevalence and penetrance estimates, and inheritance mode, an automated score was calculated to assess if this variant is too frequent to cause the disease. Based on the score and internal cut-off values, a variant classified as likely benign is not then subjected to further curation. The score for this variant resulted in a classification of likely benign for this disease.